The following is an entry in ClinVar:

NM_001242896.3(DEPDC5):c.3821C>T (p.Pro1274Leu)

Gene: DEPDC5 (DEP domain containing 5, GATOR1 subcomplex subunit; plus strand). Cytogenetic location: 22q12.3.
Variant type: single nucleotide variant.
Coding change: c.3821C>T on transcript NM_001242896.3 (MANE Select); coding-DNA position 3821, C replaced by T.
Protein change: p.Pro1274Leu; replaces proline 1274 with leucine.
Molecular consequence: missense variant. On other transcripts: non-coding transcript variant (5).
Genome position (GRCh38, 1-based): chr22:31,879,540, C>T. VCF-style: chr22-31879540-C-T. GRCh37 (hg19) VCF-style: chr22-32275526-C-T.
Other names: c.3794C>T, p.Pro1265Leu (NM_001136029.4); c.3521C>T, p.Pro1174Leu (NM_001242897.2); c.3755C>T, p.Pro1252Leu (NM_001363852.2, NM_001364320.2); c.3587C>T, p.Pro1196Leu (NM_001363854.2, NM_001364319.2); c.3821C>T, p.Pro1274Leu (NM_001364318.2); c.3737C>T, p.Pro1246Leu (NM_001369901.1, NM_001369902.1); c.3728C>T, p.Pro1243Leu (NM_001369903.1, NM_014662.6); short protein forms P1252L, P1265L, P1243L, P1246L, P1174L, P1196L, P1274L.
Identifiers: ClinVar variation 2097340 (VCV002097340.4), dbSNP rs2522684845, ClinGen allele CA411281627.

ClinVar aggregate classification (germline): Uncertain significance (1 of 4 stars; one submission).

Conditions:
Familial focal epilepsy with variable foci (FPEVF). Identifiers: Orphanet 98820, MedGen C1858477, MONDO:0020310.

Submission:

Labcorp Genetics (formerly Invitae), Labcorp
Classification: Uncertain significance for Familial focal epilepsy with variable foci. Last evaluated: 2022-02-12. Review status: criteria provided, single submitter. Criteria: Invitae Variant Classification Sherloc (09022015). Collection method: clinical testing. Allele origin: germline.
Comment: This variant is not present in population databases (gnomAD no frequency). In summary, the available evidence is currently insufficient to determine the role of this variant in disease. Therefore, it has been classified as a Variant of Uncertain Significance. Algorithms developed to predict the effect of missense changes on protein structure and function are either unavailable or do not agree on the potential impact of this missense change (SIFT: "Deleterious"; PolyPhen-2: "Not Available"; Align-GVGD: "Class C0"). This variant has not been reported in the literature in individuals affected with DEPDC5-related conditions. This sequence change replaces proline, which is neutral and non-polar, with leucine, which is neutral and non-polar, at codon 1274 of the DEPDC5 protein (p.Pro1274Leu).